The following is an entry in ClinVar:

ClinVar aggregate classification (germline): Uncertain significance (1 of 4 stars; one submission).

Conditions:
Multiple acyl-CoA dehydrogenase deficiency (MADD). Also called: Glutaric aciduria, type 2; Glutaric acidemia type II; GA 2; ETHYLMALONIC-ADIPICACIDURIA; GA II; Glutaric Acidemia type 2. Identifiers: Orphanet 26791, MedGen C0268596, MONDO:0009282, OMIM 231680.

Submission:

Labcorp Genetics (formerly Invitae), Labcorp
Classification: Uncertain significance for Multiple acyl-CoA dehydrogenase deficiency. Last evaluated: 2023-06-29. Review status: criteria provided, single submitter. Criteria: Invitae Variant Classification Sherloc (09022015). Collection method: clinical testing. Allele origin: germline.
Comment: In summary, the available evidence is currently insufficient to determine the role of this variant in disease. Therefore, it has been classified as a Variant of Uncertain Significance. Advanced modeling of protein sequence and biophysical properties (such as structural, functional, and spatial information, amino acid conservation, physicochemical variation, residue mobility, and thermodynamic stability) performed at Invitae indicates that this missense variant is not expected to disrupt ETFDH protein function. This variant has not been reported in the literature in individuals affected with ETFDH-related conditions. This variant is not present in population databases (gnomAD no frequency). This sequence change replaces valine, which is neutral and non-polar, with isoleucine, which is neutral and non-polar, at codon 587 of the ETFDH protein (p.Val587Ile).

NM_004453.4(ETFDH):c.1759G>A (p.Val587Ile)

Gene: ETFDH (electron transfer flavoprotein dehydrogenase; plus strand). Cytogenetic location: 4q32.1.
Variant type: single nucleotide variant.
Coding change: c.1759G>A on transcript NM_004453.4 (MANE Select); coding-DNA position 1759, G replaced by A.
Protein change: p.Val587Ile; replaces valine 587 with isoleucine.
Molecular consequence: missense variant.
Genome position (GRCh38, 1-based): chr4:158,708,432, G>A. VCF-style: chr4-158708432-G-A. GRCh37 (hg19) VCF-style: chr4-159629584-G-A.
Other names: c.1618G>A, p.Val540Ile (NM_001281737.2); c.1576G>A, p.Val526Ile (NM_001281738.1); short protein forms V587I, V526I, V540I.
Identifiers: ClinVar variation 2870685 (VCV002870685.3), dbSNP rs2476741417, ClinGen allele CA358566627.